The following is an entry in ClinVar:

ClinVar aggregate classification (germline): Pathogenic (1 of 4 stars; one submission).

Conditions:
Pelizaeus-Merzbacher disease. Also called: LEUKODYSTROPHY, HYPOMYELINATING, 1; Sudanophilic leukodystrophy; Pelizaeus-Merzbacher spectrum disorder; Pelizaeus-Merzbacher Disease (PMD); Pelizeaus-Merzbacher spectrum disorder. Identifiers: Orphanet 702, MedGen C0205711, MONDO:0010714, OMIM 312080, HP:0003269.

Submission:

Molecular Diagnostics Lab, Nemours Children's Health, Delaware
Classification: Pathogenic for Pelizaeus-Merzbacher disease. Last evaluated: 2021-12-20. Review status: criteria provided, single submitter. Criteria: ACMG Guidelines, 2015. Collection method: clinical testing. Allele origin: maternal, unknown. Inheritance: X-linked inheritance. Affected: yes. Observed: 1 heterozygote, 2 hemizygotes. Clinical features observed: Nystagmus (HP:0000639), Spasticity (HP:0001257), Global developmental delay (HP:0001263).
Comment: This variant (c.613delA, p.Arg205Glufs*31) results in a frameshift to a premature termination. It has not been seen in population databases (gnomAD) nor reported in the literature, and no functional studies have been published. It has been found in two affected male siblings and is carried by their mother.

NM_000533.5(PLP1):c.613del (p.Arg205fs)

Genes: PLP1 (proteolipid protein 1; plus strand), RAB9B (RAB9B, member RAS oncogene family; minus strand). Cytogenetic location: Xq22.2.
Variant type: Deletion.
Coding change: c.613del on transcript NM_000533.5 (MANE Select); coding-DNA position 613, one base deleted (A; older notation c.613delA).
Protein change: p.Arg205fs; shifts the reading frame from arginine 205.
Molecular consequence: frameshift variant.
Genome position (GRCh38, 1-based): chrX:103,787,957, A deleted. VCF-style (leftmost placement, unchanged base first): chrX-103787956-CA-C. GRCh37 (hg19) VCF-style: chrX-103042885-CA-C.
Other names: c.613del, p.Arg205fs (NM_001128834.3); c.448del, p.Arg150fs (NM_001305004.1); c.508del, p.Arg170fs (NM_199478.3); c.613delA (NM_000533.5); short protein forms R150fs, R170fs, R205fs.
Identifiers: ClinVar variation 3255440 (VCV003255440.2), dbSNP rs2522315461.
Genomic context (GRCh38, chrX:103,787,956, plus strand): 5'-CCAGTCTATTGCCTTCCCCAGCAAGACCTCTGCCAGTATAGGCAGTCTCTGTGCTGATGC[CA>C]GAATGTATGGTGAGTTAGGGTACGGGTGCTTTGGCTCTCCTACCCACTATGGAAGCACTA-3'